The following is an entry in ClinVar:

ClinVar aggregate classification (germline): Uncertain significance. Review status: criteria provided, multiple submitters, no conflicts (2 of 4 stars). 3 submissions from 3 submitters: Uncertain significance (3). Last evaluated 2026-03-31.

Conditions:
Familial thoracic aortic aneurysm and aortic dissection (TAAD). Also called: Thoracic aortic aneurysms and dissections. Identifiers: Orphanet 91387, MedGen C4707243, MONDO:0019625.

Submissions (3):

GeneDx
Classification: Uncertain significance. Last evaluated: 2026-03-31. Review status: criteria provided, single submitter. Criteria: GeneDx Variant Classification Process June 2021. Collection method: clinical testing. Allele origin: germline.
Comment: Not observed at significant frequency in large population cohorts (gnomAD); In silico analysis supports that this missense variant has a deleterious effect on protein structure/function; Has not been previously published as pathogenic or benign to our knowledge

Color Diagnostics, LLC DBA Color Health
Classification: Uncertain significance for Familial thoracic aortic aneurysm and aortic dissection. Last evaluated: 2024-08-20. Review status: criteria provided, single submitter. Criteria: ACMG Guidelines, 2015. Collection method: clinical testing. Allele origin: germline.
Comment: This missense variant replaces threonine with asparagine at codon 846 of the MYH11 protein. Computational prediction tools indicate that this variant has a neutral impact on protein structure and function. To our knowledge, functional studies have not been reported for this variant. This variant has not been reported in individuals affected with MYH11-related disorders in the literature. This variant has not been identified in the general population by the Genome Aggregation Database (gnomAD). The available evidence is insufficient to determine the role of this variant in disease conclusively. Therefore, this variant is classified as a Variant of Uncertain Significance.

All of Us Research Program, National Institutes of Health
Classification: Uncertain significance for Familial thoracic aortic aneurysm and aortic dissection. Last evaluated: 2024-08-06. Review status: criteria provided, single submitter. Criteria: ACMG Guidelines, 2015. Collection method: clinical testing. Allele origin: germline. Inheritance: Autosomal dominant inheritance. Observed: 2 variant alleles, 2 heterozygotes.
Comment: This missense variant replaces threonine with asparagine at codon 846 of the MYH11 protein. Computational prediction suggests that this variant may not impact protein structure and function (internally defined REVEL score threshold <= 0.5, PMID: 27666373). To our knowledge, functional studies have not been reported for this variant. This variant has not been reported in individuals affected with cardiovascular disorders in the literature. This variant has not been identified in the general population by the Genome Aggregation Database (gnomAD). The available evidence is insufficient to determine the role of this variant in disease conclusively. Therefore, this variant is classified as a Variant of Uncertain Significance.

This study involves interpretation of variants in research participants for the purpose of population health screening. Participant phenotype was not available at the time of variant classification. Additional details can be found in publication PMID: 35346344, PMCID: PMC8962531

NM_002474.3(MYH11):c.2516C>A (p.Thr839Asn)

Gene: MYH11 (myosin heavy chain 11; minus strand). Cytogenetic location: 16p13.11.
Variant type: single nucleotide variant.
Coding change: c.2516C>A on transcript NM_002474.3 (MANE Select); coding-DNA position 2516, C replaced by A.
Protein change: p.Thr839Asn; replaces threonine 839 with asparagine.
Molecular consequence: missense variant.
Genome position (GRCh38, 1-based): chr16:15,745,133, G>T on the plus strand (C>A on the coding strand, the complement: MYH11 is on the minus strand). VCF-style: chr16-15745133-G-T. GRCh37 (hg19) VCF-style: chr16-15838990-G-T.
Other names: c.2537C>A, p.Thr846Asn (NM_001040113.2, NM_001040114.2); c.2516C>A, p.Thr839Asn (NM_022844.3); c.2516C>A (NM_002474.2); short protein forms T839N, T846N.
Identifiers: ClinVar variation 1172086 (VCV001172086.6), dbSNP rs1248564780, ClinGen allele CA394866716.